The following is an entry in ClinVar:

ClinVar aggregate classification (germline): Likely benign (1 of 4 stars; one submission).

Conditions:
Neurofibromatosis, type 1 (NF1). Also called: VON RECKLINGHAUSEN DISEASE; NEUROFIBROMATOSIS, TYPE I, SOMATIC; Peripheral type neurofibromatosis; Neurofibromatosis, type I. Identifiers: Orphanet 636, MedGen C0027831, MONDO:0018975, OMIM 162200. Disease mechanism: loss of function.

Submission:

Myriad Genetics, Inc.
Classification: Likely benign for Neurofibromatosis, type 1. Last evaluated: 2026-05-11. Review status: criteria provided, single submitter. Criteria: Myriad Autosomal Dominant, Autosomal Recessive and X-Linked Classification Criteria (2023). Collection method: clinical testing. Allele origin: unknown.
Comment: This variant is considered likely benign. This variant is intronic and is not expected to impact mRNA splicing.

NM_001042492.3(NF1):c.889-4G>T

Gene: NF1 (neurofibromin 1; plus strand). Cytogenetic location: 17q11.2.
Variant type: single nucleotide variant.
Coding change: c.889-4G>T on transcript NM_001042492.3 (MANE Select); 4 bases into the intron before coding-DNA position 889, G replaced by T.
Molecular consequence: intron variant.
Genome position (GRCh38, 1-based): chr17:31,200,418, G>T. VCF-style: chr17-31200418-G-T. GRCh37 (hg19) VCF-style: chr17-29527436-G-T.
Other names: c.889-4G>T (NM_000267.4, NM_001128147.3).
Identifiers: ClinVar variation 4876182 (VCV004876182.1).